The following is an entry in ClinVar:

NM_006158.5(NEFL):c.73C>A (p.His25Asn)

Gene: NEFL (neurofilament light chain; minus strand). Cytogenetic location: 8p21.2.
Variant type: single nucleotide variant.
Coding change: c.73C>A on transcript NM_006158.5 (MANE Select); coding-DNA position 73, C replaced by A.
Protein change: p.His25Asn; replaces histidine 25 with asparagine.
Molecular consequence: missense variant.
Genome position (GRCh38, 1-based): chr8:24,956,443, G>T on the plus strand (C>A on the coding strand, the complement: NEFL is on the minus strand). VCF-style: chr8-24956443-G-T. GRCh37 (hg19) VCF-style: chr8-24813957-G-T.
Other names: short protein forms H25N.
Identifiers: ClinVar variation 932021 (VCV000932021.3), dbSNP rs924170559, ClinGen allele CA370624126.

ClinVar aggregate classification (germline): Uncertain significance (1 of 4 stars; one submission).

Conditions:
Charcot-Marie-Tooth disease type 1F. Also called: CHARCOT-MARIE-TOOTH NEUROPATHY, TYPE 1F; Charcot-Marie-Tooth disease, demyelinating, type 1f. Identifiers: Orphanet 101085, MedGen C1843164, MONDO:0011902, OMIM 607734.

Submission:

Centre for Mendelian Genomics, University Medical Centre Ljubljana
Classification: Uncertain significance for Charcot-Marie-Tooth disease type 1F. Last evaluated: 2019-07-09. Review status: criteria provided, single submitter. Criteria: ACMG Guidelines, 2015. Collection method: clinical testing. Allele origin: unknown. Affected: yes.
Comment: This variant was classified as: Uncertain significance. The available evidence on this variant's pathogenicity is insufficient or conflicting. The following ACMG criteria were applied in classifying this variant: PM2,PP3.